The following is an entry in ClinVar:

NM_017780.4(CHD7):c.805G>A (p.Val269Ile)

Gene: CHD7 (chromodomain helicase DNA binding protein 7; plus strand). Cytogenetic location: 8q12.2.
Variant type: single nucleotide variant.
Coding change: c.805G>A on transcript NM_017780.4 (MANE Select); coding-DNA position 805, G replaced by A.
Protein change: p.Val269Ile; replaces valine 269 with isoleucine.
Molecular consequence: missense variant.
Genome position (GRCh38, 1-based): chr8:60,742,237, G>A. VCF-style: chr8-60742237-G-A. GRCh37 (hg19) VCF-style: chr8-61654796-G-A.
Other names: c.805G>A, p.Val269Ile (NM_001316690.1); short protein forms V269I.
Identifiers: ClinVar variation 642658 (VCV000642658.10), dbSNP rs747972265, ClinGen allele CA4759387.

ClinVar aggregate classification (germline): Conflicting classifications of pathogenicity. Review status: criteria provided, conflicting classifications (1 of 4 stars). 2 submissions from 2 submitters: Uncertain significance (1); Benign (1). Last evaluated 2026-01-27.

Conditions:
Inborn genetic diseases. Identifiers: MedGen C0950123, MeSH D030342.
CHARGE syndrome (CHARGE). Also called: Coloboma, heart anomaly, choanal atresia, retardation, genital and ear anomalies; CHARGE association; Hall-Hittner syndrome; Hittner Hirsch Kreh syndrome; CHARGE ASSOCIATION--COLOBOMA, HEART ANOMALY, CHOANAL ATRESIA, RETARDATION, GENITAL AND EAR ANOMALIES. Identifiers: Orphanet 138, MedGen C0265354, MONDO:0008965.

Allele frequency attached by ClinVar (database versions not stated): ExAC 0.00001; gnomAD exomes 0.00002 and 0.00003; TOPMed 0.00006; gnomAD 0.00007.
gnomAD v4.1: 55 of 1,613,666 alleles (0.0034%); highest among the groups gnomAD compares: African/African-American, 0.012%; no homozygotes.

Submissions (2):

Labcorp Genetics (formerly Invitae), Labcorp
Classification: Benign for CHARGE syndrome. Last evaluated: 2026-01-27. Review status: criteria provided, single submitter. Criteria: Invitae Variant Classification Sherloc (09022015). Collection method: clinical testing. Allele origin: germline.

Ambry Genetics
Classification: Uncertain significance for Inborn genetic diseases. Last evaluated: 2018-04-24. Review status: criteria provided, single submitter. Criteria: Ambry Variant Classification Scheme 2023. Collection method: clinical testing. Allele origin: germline.
Comment: The p.V269I variant (also known as c.805G>A), located in coding exon 1 of the CHD7 gene, results from a G to A substitution at nucleotide position 805. The valine at codon 269 is replaced by isoleucine, an amino acid with highly similar properties. This amino acid position is highly conserved in available vertebrate species. In addition, this alteration is predicted to be tolerated by in silico analysis. Since supporting evidence is limited at this time, the clinical significance of this alteration remains unclear.